The following is an entry in ClinVar:

NM_000368.5(TSC1):c.1529A>G (p.Asp510Gly)

Gene: TSC1 (TSC complex subunit 1; minus strand). Cytogenetic location: 9q34.13.
Variant type: single nucleotide variant.
Coding change: c.1529A>G on transcript NM_000368.5 (MANE Select); coding-DNA position 1529, A replaced by G.
Protein change: p.Asp510Gly; replaces aspartic acid 510 with glycine.
Molecular consequence: missense variant. On other transcripts: non-coding transcript variant (5).
Genome position (GRCh38, 1-based): chr9:132,906,049, T>C on the plus strand (A>G on the coding strand, the complement: TSC1 is on the minus strand). VCF-style: chr9-132906049-T-C. GRCh37 (hg19) VCF-style: chr9-135781436-T-C.
Other names: c.1526A>G, p.Asp509Gly (NM_001162426.2, NM_001406597.1, NM_001406598.1 and 6 more transcripts); c.1376A>G, p.Asp459Gly (NM_001162427.2, NM_001406610.1); c.1166A>G, p.Asp389Gly (NM_001362177.2, NM_001406614.1, NM_001406615.1 and 5 more transcripts); c.1529A>G, p.Asp510Gly (NM_001406592.1, NM_001406593.1, NM_001406594.1 and 7 more transcripts); c.1373A>G, p.Asp458Gly (NM_001406611.1, NM_001406612.1, NM_001406613.1); c.1163A>G, p.Asp388Gly (NM_001406620.1, NM_001406621.1, NM_001406622.1 and 2 more transcripts); c.578A>G, p.Asp193Gly (NM_001406626.1); c.575A>G, p.Asp192Gly (NM_001406627.1, NM_001406628.1); and 1 more; short protein forms D159G, D192G, D193G, D509G, D389G, D459G, D510G, D388G.
Identifiers: ClinVar variation 3811264 (VCV003811264.1).

ClinVar aggregate classification (germline): Uncertain significance (1 of 4 stars; one submission).

Conditions:
Hereditary cancer-predisposing syndrome. Also called: Neoplastic Syndromes, Hereditary; Hereditary Cancer Syndrome; Tumor predisposition; Hereditary neoplastic syndrome. Identifiers: Orphanet 140162, MedGen C0027672, MeSH D009386, MONDO:0015356.

Submission:

Ambry Genetics
Classification: Uncertain significance for Hereditary cancer-predisposing syndrome. Last evaluated: 2025-03-09. Review status: criteria provided, single submitter. Criteria: Ambry Variant Classification Scheme 2023. Collection method: clinical testing. Allele origin: germline.
Comment: The p.D510G variant (also known as c.1529A>G), located in coding exon 13 of the TSC1 gene, results from an A to G substitution at nucleotide position 1529. The aspartic acid at codon 510 is replaced by glycine, an amino acid with similar properties. This amino acid position is conserved. In addition, the in silico prediction for this alteration is inconclusive. Based on the available evidence, the clinical significance of this variant remains unclear.